The following is an entry in ClinVar:

NM_198525.3(KIF7):c.2522G>A (p.Arg841Gln)

Gene: KIF7 (kinesin family member 7; minus strand). Cytogenetic location: 15q26.1.
Variant type: single nucleotide variant.
Coding change: c.2522G>A on transcript NM_198525.3 (MANE Select); coding-DNA position 2522, G replaced by A.
Protein change: p.Arg841Gln; replaces arginine 841 with glutamine.
Molecular consequence: missense variant.
Genome position (GRCh38, 1-based): chr15:89,633,756, C>T on the plus strand (G>A on the coding strand, the complement: KIF7 is on the minus strand). VCF-style: chr15-89633756-C-T. GRCh37 (hg19) VCF-style: chr15-90176987-C-T.
Other names: short protein forms R841Q.
Identifiers: ClinVar variation 1433501 (VCV001433501.8), dbSNP rs750616880, ClinGen allele CA7728119.

ClinVar aggregate classification (germline): Uncertain significance. Review status: criteria provided, multiple submitters, no conflicts (2 of 4 stars). 2 submissions from 2 submitters: Uncertain significance (2). Last evaluated 2024-01-08.

Conditions:
Multiple epiphyseal dysplasia, Al-Gazali type. Also called: Macrocephaly with multiple epiphyseal dysplasia and distinctive facies. Identifiers: Orphanet 166024, MedGen C1846722, MONDO:0011778, OMIM 607131.
Acrocallosal syndrome (ACLS). Also called: Schinzel syndrome 1; Absence of corpus callosum with unusual facial appearance, mental deficiency, duplication of the halluces and polydactyly; HALLUX DUPLICATION, POSTAXIAL POLYDACTYLY, AND ABSENCE OF CORPUS CALLOSUM. Identifiers: Orphanet 36, MedGen C0796147, MONDO:0008708, OMIM 200990.
Hydrolethalus syndrome 2 (HLS2). Identifiers: Orphanet 2189, MedGen C3279899, MONDO:0013585, OMIM 614120.

Allele frequency attached by ClinVar (database versions not stated): ExAC 0.00001; gnomAD exomes 0.00001 and 0.00003; TOPMed 0.00002; gnomAD 0.00003.
gnomAD v4.1: 42 of 1,610,212 alleles (0.0026%); highest among the groups gnomAD compares: South Asian, 0.0044%; no homozygotes.

Submissions (2):

Fulgent Genetics
Classification: Uncertain significance for Acrocallosal syndrome; Multiple epiphyseal dysplasia, Al-Gazali type; Hydrolethalus syndrome 2. Last evaluated: 2024-01-08. Review status: criteria provided, single submitter. Criteria: ACMG Guidelines, 2015. Collection method: clinical testing. Allele origin: germline.

Labcorp Genetics (formerly Invitae), Labcorp
Classification: Uncertain significance for Acrocallosal syndrome. Last evaluated: 2020-12-23. Review status: criteria provided, single submitter. Criteria: Invitae Variant Classification Sherloc (09022015). Collection method: clinical testing. Allele origin: germline.
Comment: Algorithms developed to predict the effect of missense changes on protein structure and function are either unavailable or do not agree on the potential impact of this missense change (SIFT: "Deleterious"; PolyPhen-2: "Probably Damaging"; Align-GVGD: "Class C0"). This sequence change replaces arginine with glutamine at codon 841 of the KIF7 protein (p.Arg841Gln). The arginine residue is highly conserved and there is a small physicochemical difference between arginine and glutamine. This variant is present in population databases (rs750616880, ExAC 0.002%). This variant has not been reported in the literature in individuals with KIF7-related conditions. In summary, the available evidence is currently insufficient to determine the role of this variant in disease. Therefore, it has been classified as a Variant of Uncertain Significance.